The following is an entry in ClinVar:

ClinVar aggregate classification (germline): Likely benign (1 of 4 stars; one submission).

Conditions:
Fabry disease. Also called: ALPHA-GALACTOSIDASE A DEFICIENCY; ANDERSON-FABRY DISEASE; CERAMIDE TRIHEXOSIDASE DEFICIENCY; GLA DEFICIENCY; HEREDITARY DYSTOPIC LIPIDOSIS; Angiokeratoma corporis diffusum. Identifiers: Orphanet 324, MedGen C0002986, MONDO:0010526, OMIM 301500, HP:0001071. Disease mechanism: Fabry disease is due to inactivating mutations in the X-linked GLA gene resulting in deficiency of the enzyme Alpha Galactosidase-A., loss of function.

Submission:

Genomenon, Inc
Classification: Likely benign for Fabry disease. Last evaluated: 2026-09-08. Review status: criteria provided, single submitter. Criteria: Genomenon Sequence Variant Interpretation Standards - Updated. Collection method: curation. Allele origin: germline. Affected: no.
Comment: GLA c.33C>G is a synonymous variant that retains Glycine at codon 11. This variant has been reported in the published literature (PMID:32843101). It is absent or not present at a significant frequency in gnomAD. This variant is not predicted to impact splicing. In conclusion, we classify GLA p.Gly11= (c.33C>G) as a likely benign variant.

Literature cited by the submitters: PubMed 32843101.

NM_000169.3(GLA):c.33C>G (p.Gly11=)

Genes: GLA (galactosidase alpha; minus strand), RPL36A-HNRNPH2 (RPL36A-HNRNPH2 readthrough; plus strand). Cytogenetic location: Xq22.1.
Variant type: single nucleotide variant.
Coding change: c.33C>G on transcript NM_000169.3 (MANE Select); coding-DNA position 33, C replaced by G.
Protein change: p.Gly11=; no amino-acid change (glycine 11 retained).
Molecular consequence: synonymous variant. On other transcripts: non-coding transcript variant (3), intron variant (2).
Genome position (GRCh38, 1-based): chrX:101,407,871, G>C on the plus strand (C>G on the coding strand, the complement: GLA is on the minus strand). VCF-style: chrX-101407871-G-C. GRCh37 (hg19) VCF-style: chrX-100662859-G-C.
Other names: c.33C>G, p.Gly11= (NM_001406747.1, NM_001406748.1, NM_001406749.1); c.301-4065G>C (NM_001199973.2); c.178-4065G>C (NM_001199974.2).
Identifiers: ClinVar variation 4087233 (VCV004087233.2).
Genomic context (GRCh38, chrX:101,407,871, plus strand): 5'-TGCTCTAGCCCCAGGGATGTCCCAGGAAACGAGGGCCAGGAAGCGAAGCGCAAGCGCGCA[G>C]CCCAGATGTAGTTCTGGGTTCCTCAGCTGCATTGTCACGGTGACCGGACAGCATAAATTT-3'
Protein context (NP_000160.1, residues 1-21): MQLRNPELHL[Gly11=]CALALRFLAL